The following is an entry in ClinVar:

NM_031935.3(HMCN1):c.13313-4G>A

Gene: HMCN1 (hemicentin 1; plus strand). Cytogenetic location: 1q31.1.
Variant type: single nucleotide variant.
Coding change: c.13313-4G>A on transcript NM_031935.3 (MANE Select); 4 bases into the intron before coding-DNA position 13313, G replaced by A.
Molecular consequence: intron variant.
Genome position (GRCh38, 1-based): chr1:186,136,664, G>A. VCF-style: chr1-186136664-G-A. GRCh37 (hg19) VCF-style: chr1-186105796-G-A.
Identifiers: ClinVar variation 100596 (VCV000100596.14), dbSNP rs41317497, ClinGen allele CA228936.
Genomic context (GRCh38, chr1:186,136,664, plus strand): 5'-TACATGATAAAAAAAAATGCTGTAACTCCACAAAAACTGAGACACTATGTGCTTTTTTCC[G>A]TAGGTCCTCCTATTATCACTCTTGAGCCAGTGGAAACTGTTATTAATGCTGGTGGCAAAA-3'

ClinVar aggregate classification (germline): Benign. Review status: criteria provided, multiple submitters, no conflicts (2 of 4 stars). 5 submissions from 5 submitters: Benign (4). 1 of the submissions does not count toward it. Last evaluated 2026-02-01.

Conditions:
Age related macular degeneration 1 (ARMD1). Also called: MACULOPATHY, AGE-RELATED, 1. Identifiers: MedGen C1864205, MONDO:0011285, OMIM 603075.

Allele frequency attached by ClinVar (database versions not stated): 1000 Genomes Project 30x 0.00609; 1000 Genomes Project 0.00619; ExAC 0.01058; gnomAD 0.01173 and 0.01218; ESP Exome Variant Server 0.01192; TOPMed 0.01266.
gnomAD v4.1: 22,760 of 1,612,648 alleles (1.4%); highest among the groups gnomAD compares: Non-Finnish European, 1.7%; 202 homozygotes.

Submissions (5):

Labcorp Genetics (formerly Invitae), Labcorp
Classification: Benign. Last evaluated: 2026-02-01. Review status: criteria provided, single submitter. Criteria: Invitae Variant Classification Sherloc (09022015). Collection method: clinical testing. Allele origin: germline.

Genome-Nilou Lab
Classification: Benign for Age related macular degeneration 1. Last evaluated: 2023-04-11. Review status: criteria provided, single submitter. Criteria: ACMG Guidelines, 2015. Collection method: clinical testing. Allele origin: germline. Affected: no.

Illumina Laboratory Services, Illumina
Classification: Benign for Age related macular degeneration 1. Last evaluated: 2018-01-12. Review status: criteria provided, single submitter. Criteria: ICSL Variant Classification Criteria 13 December 2019. Collection method: clinical testing. Allele origin: germline.
Comment: This variant was observed in the ICSL laboratory as part of a predisposition screen in an ostensibly healthy population. It had not been previously curated by ICSL or reported in the Human Gene Mutation Database (HGMD: prior to June 1st, 2018), and was therefore a candidate for classification through an automated scoring system. Utilizing variant allele frequency, disease prevalence and penetrance estimates, and inheritance mode, an automated score was calculated to assess if this variant is too frequent to cause the disease. Based on the score and internal cut-off values, a variant classified as benign is not then subjected to further curation. The score for this variant resulted in a classification of benign for this disease.

Breakthrough Genomics
Classification: Benign. Review status: criteria provided, single submitter. Criteria: ACMG Guidelines, 2015. Collection method: not provided. Allele origin: germline. Inheritance: Autosomal dominant inheritance. Affected: yes.

NEI Ophthalmic Genomics Laboratory, National Institutes of Health
No classification provided. Review status: no classification provided. Collection method: not provided. Allele origin: not provided. Not counted in ClinVar's aggregate classification.